The following is an entry in ClinVar:

ClinVar aggregate classification (germline): Uncertain significance (1 of 4 stars; one submission).

Submission:

Labcorp Genetics (formerly Invitae), Labcorp
Classification: Uncertain significance. Last evaluated: 2022-10-13. Review status: criteria provided, single submitter. Criteria: Invitae Variant Classification Sherloc (09022015). Collection method: clinical testing. Allele origin: germline.
Comment: In summary, the available evidence is currently insufficient to determine the role of this variant in disease. Therefore, it has been classified as a Variant of Uncertain Significance. Algorithms developed to predict the effect of missense changes on protein structure and function are either unavailable or do not agree on the potential impact of this missense change (SIFT: "Not Available"; PolyPhen-2: "Benign"; Align-GVGD: "Not Available"). ClinVar contains an entry for this variant (Variation ID: 1461172). This variant has not been reported in the literature in individuals affected with ALPK3-related conditions. Information on the frequency of this variant in the gnomAD database is not available, as this variant may be reported differently in the database. This sequence change replaces threonine, which is neutral and polar, with leucine, which is neutral and non-polar, at codon 1451 of the ALPK3 protein (p.Thr1451Leu).

NM_020778.5(ALPK3):c.3745_3746delinsCT (p.Thr1249Leu)

Gene: ALPK3 (alpha kinase 3; plus strand). Cytogenetic location: 15q25.3.
Variant type: Indel.
Coding change: c.3745_3746delinsCT on transcript NM_020778.5 (MANE Select); coding-DNA positions 3745 to 3746, AC replaced by CT.
Protein change: p.Thr1249Leu; replaces threonine 1249 with leucine.
Molecular consequence: missense variant.
Genome position (GRCh38, 1-based): chr15:84,858,483-84,858,484, AC replaced by CT. VCF-style: chr15-84858483-AC-CT. GRCh37 (hg19) VCF-style: chr15-85401714-AC-CT.
Other names: short protein forms T1249L.
Identifiers: ClinVar variation 1461172 (VCV001461172.8), dbSNP rs2141569584, ClinGen allele CA2573151306.
Genomic context (GRCh38, chr15:84,858,483, plus strand): 5'-GCAGAGGAGGAGCTGGCGGCAGGAGACCTGGGCCCCAGCCCCAAGGCCGGCGGTCTGGAC[AC>CT]AGAGGTGGCCCTGGATGAAGGCAAGCAGGAGACACTGGCCAAGCCCAGGAAAGCCAAAGA-3'
Protein context (NP_065829.4, residues 1239-1259): GPSPKAGGLD[Thr1249Leu]EVALDEGKQE